The following is an entry in ClinVar:

NM_002354.3(EPCAM):c.467C>A (p.Pro156His)

Gene: EPCAM (epithelial cell adhesion molecule; plus strand). Cytogenetic location: 2p21.
Variant type: single nucleotide variant.
Coding change: c.467C>A on transcript NM_002354.3 (MANE Select); coding-DNA position 467, C replaced by A.
Protein change: p.Pro156His; replaces proline 156 with histidine.
Molecular consequence: missense variant.
Genome position (GRCh38, 1-based): chr2:47,375,275, C>A. VCF-style: chr2-47375275-C-A. GRCh37 (hg19) VCF-style: chr2-47602414-C-A.
Other names: short protein forms P156H.
Identifiers: ClinVar variation 3222115 (VCV003222115.1), dbSNP rs887011666, ClinGen allele CA46693724.
Genomic context (GRCh38, chr2:47,375,275, plus strand): 5'-TTGTCTTTTTACTTTATAGCTGGATCATCATTGAACTAAAACACAAAGCAAGAGAAAAAC[C>A]TTATGATAGTAAAAGTTTGCGGACGTAAGTGCAATTAAATGCATCATATTCTTGCACAGT-3'
Protein context (NP_002345.2, residues 146-166): IELKHKAREK[Pro156His]YDSKSLRTAL

ClinVar aggregate classification (germline): Uncertain significance (1 of 4 stars; one submission).

Conditions:
Hereditary cancer-predisposing syndrome. Also called: Tumor predisposition; Hereditary neoplastic syndrome; Hereditary Cancer Syndrome; Neoplastic Syndromes, Hereditary. Identifiers: Orphanet 140162, MedGen C0027672, MeSH D009386, MONDO:0015356.

Allele frequency attached by ClinVar (database versions not stated): TOPMed below 0.00001.

Submission:

Ambry Genetics
Classification: Uncertain significance for Hereditary cancer-predisposing syndrome. Last evaluated: 2023-12-21. Review status: criteria provided, single submitter. Criteria: Ambry Variant Classification Scheme 2023. Collection method: clinical testing. Allele origin: germline.
Comment: The p.P156H variant (also known as c.467C>A), located in coding exon 4 of the EPCAM gene, results from a C to A substitution at nucleotide position 467. The proline at codon 156 is replaced by histidine, an amino acid with similar properties. This amino acid position is conserved. In addition, the in silico prediction for this alteration is inconclusive. Since supporting evidence is limited at this time, the clinical significance of this alteration remains unclear.